The following is an entry in ClinVar:

NM_001613.4(ACTA2):c.*4A>G

Genes: ACTA2-AS1 (ACTA2 antisense RNA 1; plus strand), ACTA2 (actin alpha 2, smooth muscle; minus strand). Cytogenetic location: 10q23.31.
Variant type: single nucleotide variant.
Coding change: c.*4A>G on transcript NM_001613.4 (MANE Select); 4 bases downstream of the stop codon, A replaced by G.
Molecular consequence: 3 prime UTR variant. On other transcripts: non-coding transcript variant (1).
Genome position (GRCh38, 1-based): chr10:88,935,219, T>C on the plus strand (A>G on the coding strand, the complement: ACTA2 is on the minus strand). VCF-style: chr10-88935219-T-C. GRCh37 (hg19) VCF-style: chr10-90694976-T-C.
Other names: c.*4A>G (NM_001141945.3, NM_001320855.2, NM_001406462.1 and 7 more transcripts).
Identifiers: ClinVar variation 4758619 (VCV004758619.1).

ClinVar aggregate classification (germline): Uncertain significance (1 of 4 stars; one submission).

Conditions:
Familial thoracic aortic aneurysm and aortic dissection (TAAD). Also called: Thoracic aortic aneurysms and dissections. Identifiers: Orphanet 91387, MedGen C4707243, MONDO:0019625.

gnomAD v4.1: 13 of 1,612,618 alleles (0.00081%); highest among the groups gnomAD compares: African/African-American, 0.0013%; no homozygotes.

Submission:

Color Diagnostics, LLC DBA Color Health
Classification: Uncertain significance for Familial thoracic aortic aneurysm and aortic dissection. Last evaluated: 2025-08-30. Review status: criteria provided, single submitter. Criteria: ACMG Guidelines, 2015. Collection method: clinical testing. Allele origin: germline.
Comment: This variant is located in the 3' untranslated region of the ACTA2 gene. To our knowledge, functional studies have not been reported for this variant. This variant has not been reported in individuals affected with ACTA2-related disorders in the literature. This variant has been identified in 4/282610 chromosomes in the general population by the Genome Aggregation Database (gnomAD). The available evidence is insufficient to determine the role of this variant in disease conclusively. Therefore, this variant is classified as a Variant of Uncertain Significance.